The following is an entry in ClinVar:

ClinVar aggregate classification (germline): Uncertain significance (1 of 4 stars; one submission).

gnomAD v4.1: 4 of 1,550,340 alleles (0.00026%); highest among the groups gnomAD compares: Non-Finnish European, 0.00035%; no homozygotes.

Submission:

Labcorp Genetics (formerly Invitae), Labcorp
Classification: Uncertain significance. Last evaluated: 2024-09-15. Review status: criteria provided, single submitter. Criteria: Invitae Variant Classification Sherloc (09022015). Collection method: clinical testing. Allele origin: germline.
Comment: This sequence change replaces threonine, which is neutral and polar, with arginine, which is basic and polar, at codon 2648 of the EYS protein (p.Thr2648Arg). This variant is not present in population databases (gnomAD no frequency). This variant has not been reported in the literature in individuals affected with EYS-related conditions. Invitae Evidence Modeling of protein sequence and biophysical properties (such as structural, functional, and spatial information, amino acid conservation, physicochemical variation, residue mobility, and thermodynamic stability) has been performed for this missense variant. However, the output from this modeling did not meet the statistical confidence thresholds required to predict the impact of this variant on EYS protein function. In summary, the available evidence is currently insufficient to determine the role of this variant in disease. Therefore, it has been classified as a Variant of Uncertain Significance.

NM_001142800.2(EYS):c.7943C>G (p.Thr2648Arg)

Gene: EYS (EGF-like photoreceptor maintenance factor; minus strand). Cytogenetic location: 6q12.
Variant type: single nucleotide variant.
Coding change: c.7943C>G on transcript NM_001142800.2 (MANE Select); coding-DNA position 7943, C replaced by G.
Protein change: p.Thr2648Arg; replaces threonine 2648 with arginine.
Molecular consequence: missense variant.
Genome position (GRCh38, 1-based): chr6:63,762,589, G>C on the plus strand (C>G on the coding strand, the complement: EYS is on the minus strand). VCF-style: chr6-63762589-G-C. GRCh37 (hg19) VCF-style: chr6-64472482-G-C.
Other names: c.7943C>G, p.Thr2648Arg (NM_001292009.2); short protein forms T2648R.
Identifiers: ClinVar variation 3704980 (VCV003704980.2).
Genomic context (GRCh38, chr6:63,762,589, plus strand): 5'-CAGGTTGCTCCTCTGCTACAGTGGTGTGGAGGGTCATGTTCAGGATCACAGGTAGAAACT[G>C]TCTCTGTGCAGAATGATCCTTTCCACCCAGTGGTACAATTGCAGCTGTGGGTTGAGAGAA-3'
Protein context (NP_001136272.1, residues 2638-2658): TGWKGSFCTE[Thr2648Arg]VSTCDPEHDP